The following is an entry in ClinVar:

NM_000059.4(BRCA2):c.3861T>A (p.Asn1287Lys)

Gene: BRCA2 (BRCA2 DNA repair associated; plus strand). Cytogenetic location: 13q13.1.
Variant type: single nucleotide variant.
Coding change: c.3861T>A on transcript NM_000059.4 (MANE Select); coding-DNA position 3861, T replaced by A.
Protein change: p.Asn1287Lys; replaces asparagine 1287 with lysine.
Molecular consequence: missense variant.
Genome position (GRCh38, 1-based): chr13:32,338,216, T>A. VCF-style: chr13-32338216-T-A. GRCh37 (hg19) VCF-style: chr13-32912353-T-A.
Other names: short protein forms N1287K.
Identifiers: ClinVar variation 966932 (VCV000966932.11), dbSNP rs2072490377, ClinGen allele CA387778663.

ClinVar aggregate classification (germline): Conflicting classifications of pathogenicity. Review status: criteria provided, conflicting classifications (1 of 4 stars). 2 submissions from 2 submitters: Uncertain significance (1); Likely benign (1). Last evaluated 2023-03-23.

Conditions:
Hereditary cancer-predisposing syndrome. Also called: Hereditary neoplastic syndrome; Neoplastic Syndromes, Hereditary; Hereditary Cancer Syndrome; Tumor predisposition. Identifiers: Orphanet 140162, MedGen C0027672, MeSH D009386, MONDO:0015356.
Hereditary breast ovarian cancer syndrome. Also called: Hereditary breast and ovarian cancer; Hereditary breast and/or ovarian cancer syndrome; Hereditary breast and ovarian cancer syndrome; Hereditary breast and ovarian cancer syndrome (HBOC); Breast and ovarian cancer; BRCA1- and BRCA2-Associated Hereditary Breast and Ovarian Cancer. Identifiers: Orphanet 145, MedGen C0677776, MeSH D061325, MONDO:0003582. Disease mechanism: loss of function.

Submissions (2):

University of Washington Department of Laboratory Medicine, University of Washington
Classification: Likely benign for Hereditary cancer-predisposing syndrome. Last evaluated: 2023-03-23. Review status: criteria provided, single submitter. Criteria: Dines et al. (Genet Med. 2020). Collection method: curation. Allele origin: germline.
Comment: Missense variant in a coldspot region where missense variants are very unlikely to be pathogenic (PMID:31911673).

BRCA2 exon 11 coldspot. Reclassification based on statistical prior probability.

Labcorp Genetics (formerly Invitae), Labcorp
Classification: Uncertain significance for Hereditary breast ovarian cancer syndrome. Last evaluated: 2019-11-06. Review status: criteria provided, single submitter. Criteria: Invitae Variant Classification Sherloc (09022015). Collection method: clinical testing. Allele origin: germline.
Comment: This variant has not been reported in the literature in individuals with BRCA2-related conditions. This variant is not present in population databases (ExAC no frequency). This sequence change replaces asparagine with lysine at codon 1287 of the BRCA2 protein (p.Asn1287Lys). The asparagine residue is weakly conserved and there is a moderate physicochemical difference between asparagine and lysine. In summary, the available evidence is currently insufficient to determine the role of this variant in disease. Therefore, it has been classified as a Variant of Uncertain Significance. Algorithms developed to predict the effect of missense changes on protein structure and function are either unavailable or do not agree on the potential impact of this missense change (SIFT: "Tolerated"; PolyPhen-2: "Possibly Damaging"; Align-GVGD: "Class C0").